The following is an entry in ClinVar:

NM_144643.4(SCLT1):c.538C>T (p.Gln180Ter)

Gene: SCLT1 (sodium channel and clathrin linker 1; minus strand). Cytogenetic location: 4q28.2.
Variant type: single nucleotide variant.
Coding change: c.538C>T on transcript NM_144643.4 (MANE Select); coding-DNA position 538, C replaced by T.
Protein change: p.Gln180Ter; replaces glutamine 180 with a stop codon.
Molecular consequence: nonsense.
Genome position (GRCh38, 1-based): chr4:128,999,683, G>A on the plus strand (C>T on the coding strand, the complement: SCLT1 is on the minus strand). VCF-style: chr4-128999683-G-A. GRCh37 (hg19) VCF-style: chr4-129920838-G-A.
Other names: short protein forms Q180*.
Identifiers: ClinVar variation 1443499 (VCV001443499.7), dbSNP rs1743299340, ClinGen allele CA358189771.

ClinVar aggregate classification (germline): Pathogenic. Review status: criteria provided, multiple submitters, no conflicts (2 of 4 stars). 2 submissions from 2 submitters: Pathogenic (2). Last evaluated 2024-07-01.

Conditions:
SCLT1-related disorder. Also called: SCLT1-related condition.

Submissions (2):

Labcorp Genetics (formerly Invitae), Labcorp
Classification: Pathogenic. Last evaluated: 2024-07-01. Review status: criteria provided, single submitter. Criteria: Invitae Variant Classification Sherloc (09022015). Collection method: clinical testing. Allele origin: germline.
Comment: This sequence change creates a premature translational stop signal (p.Gln180*) in the SCLT1 gene. It is expected to result in an absent or disrupted protein product. Loss-of-function variants in SCLT1 are known to be pathogenic (PMID: 28005958). This variant is not present in population databases (gnomAD no frequency). This variant has not been reported in the literature in individuals affected with SCLT1-related conditions. ClinVar contains an entry for this variant (Variation ID: 1443499). For these reasons, this variant has been classified as Pathogenic.

3billion
Classification: Pathogenic for SCLT1-related disorder. Last evaluated: 2023-07-28. Review status: criteria provided, single submitter. Criteria: ACMG Guidelines, 2015. Collection method: clinical testing. Allele origin: germline. Affected: yes.
Comment: The variant is not observed in the gnomAD v2.1.1 dataset. Predicted Consequence/Location: Stop-gained (nonsense): predicted to result in a loss or disruption of normal protein function through nonsense-mediated decay (NMD) or protein truncation. Multiple pathogenic variants are reported downstream of the variant. The variant has been reported to be associated with SCLT1 related disorder (ClinVar ID: VCV001443499). Therefore, this variant is classified as Pathogenic according to the recommendation of ACMG/AMP guideline.

Literature cited by the submitters: PubMed 28005958 (cited by Labcorp Genetics (formerly Invitae), Labcorp).